The following is an entry in ClinVar:

NM_012310.5(KIF4A):c.1072G>A (p.Val358Ile)

Gene: KIF4A (kinesin family member 4A; plus strand). Cytogenetic location: Xq13.1.
Variant type: single nucleotide variant.
Coding change: c.1072G>A on transcript NM_012310.5 (MANE Select); coding-DNA position 1072, G replaced by A.
Protein change: p.Val358Ile; replaces valine 358 with isoleucine.
Molecular consequence: missense variant.
Genome position (GRCh38, 1-based): chrX:70,333,628, G>A. VCF-style: chrX-70333628-G-A. GRCh37 (hg19) VCF-style: chrX-69553478-G-A.
Other names: short protein forms V358I.
Identifiers: ClinVar variation 3366208 (VCV003366208.1).

ClinVar aggregate classification (germline): Uncertain significance (1 of 4 stars; one submission).

gnomAD v4.1: 6 of 1,198,659 alleles (0.0005%); highest among the groups gnomAD compares: Non-Finnish European, 0.00068%; no homozygotes.

Submission:

GeneDx
Classification: Uncertain significance. Last evaluated: 2023-10-27. Review status: criteria provided, single submitter. Criteria: GeneDx Variant Classification Process June 2021. Collection method: clinical testing. Allele origin: germline. Affected: yes.
Comment: Not observed at significant frequency in large population cohorts (gnomAD); In silico analysis supports that this missense variant does not alter protein structure/function; Has not been previously published as pathogenic or benign to our knowledge